The following is an entry in ClinVar:

ClinVar aggregate classification (germline): Conflicting classifications of pathogenicity. Review status: criteria provided, conflicting classifications (1 of 4 stars). 8 submissions from 8 submitters: Pathogenic (1); Likely pathogenic (2); Uncertain significance (3). 2 of the submissions do not count toward it. Last evaluated 2024-11-27.

Conditions:
ABCG8-related disorder. Also called: ABCG8-related condition.
Sitosterolemia 1. Identifiers: MedGen C2749759, MONDO:0020747, OMIM 210250.
Gallbladder disease 4 (GBD4). Identifiers: MedGen C1969115, MONDO:1010151, OMIM 611465.
Cardiovascular phenotype. Identifiers: MedGen CN230736.

Allele frequency attached by ClinVar (database versions not stated): gnomAD 0.00007 and 0.00006; TOPMed 0.00007; gnomAD exomes 0.00014 and 0.00006; ExAC 0.00013; 1000 Genomes Project 0.00040; 1000 Genomes Project 30x 0.00047.

Submissions (8):

Labcorp Genetics (formerly Invitae), Labcorp
Classification: Pathogenic. Last evaluated: 2024-11-27. Review status: criteria provided, single submitter. Criteria: Invitae Variant Classification Sherloc (09022015). Collection method: clinical testing. Allele origin: germline.
Comment: This sequence change replaces arginine, which is basic and polar, with glutamine, which is neutral and polar, at codon 263 of the ABCG8 protein (p.Arg263Gln). This variant is present in population databases (rs137852990, gnomAD 0.1%). This missense change has been observed in individual(s) with clinical features of sitosterolemia (PMID: 11452359, 24166850, 24657386, 29886606; internal data). In at least one individual the data is consistent with being in trans (on the opposite chromosome) from a pathogenic variant. ClinVar contains an entry for this variant (Variation ID: 4970). Invitae Evidence Modeling of protein sequence and biophysical properties (such as structural, functional, and spatial information, amino acid conservation, physicochemical variation, residue mobility, and thermodynamic stability) indicates that this missense variant is not expected to disrupt ABCG8 protein function with a negative predictive value of 80%. For these reasons, this variant has been classified as Pathogenic.

Ambry Genetics
Classification: Likely pathogenic for Cardiovascular phenotype. Last evaluated: 2024-11-14. Review status: criteria provided, single submitter. Criteria: Ambry Variant Classification Scheme 2023. Collection method: clinical testing. Allele origin: germline.
Comment: The p.R263Q variant (also known as c.788G>A), located in coding exon 6 of the ABCG8 gene, results from a G to A substitution at nucleotide position 788. The arginine at codon 263 is replaced by glutamine, an amino acid with highly similar properties. This variant has been identified in the homozygous state and/or in conjunction with other ABCG8 variant(s) in individual(s) with features consistent with sitosterolemia; in at least one instance, the variants were identified in trans (Hansel B et al. Atherosclerosis, 2014 May;234:162-8; Wang Z et al. Am J Hematol, 2014 Mar;89:320-4; Helgadottir A et al. Eur Heart J, 2020 Jul;41:2618-2628; Fermo E et al. Front Physiol, 2021 May;12:684569; Xia Y et al. J Clin Lipidol, 2022 Dec;16:40-51). This amino acid position is highly conserved in available vertebrate species. In addition, the in silico prediction for this alteration is inconclusive. Based on the majority of available evidence to date, this variant is likely to be pathogenic.

Blueprint Genetics
Classification: Uncertain significance. Last evaluated: 2023-05-29. Review status: criteria provided, single submitter. Criteria: ACMG Guidelines, 2015. Collection method: clinical testing. Allele origin: germline.

Revvity Omics, Revvity
Classification: Uncertain significance for Sitosterolemia 1. Last evaluated: 2021-12-30. Review status: criteria provided, single submitter. Criteria: ACMG Guidelines, 2015. Collection method: clinical testing. Allele origin: germline.

Eurofins Ntd Llc (ga)
Classification: Uncertain significance. Last evaluated: 2017-07-03. Review status: criteria provided, single submitter. Criteria: EGL Classification Definitions 2015. Collection method: clinical testing. Allele origin: germline. Observed: 1 variant allele, 1 heterozygote.

Juno Genomics, Hangzhou Juno Genomics, Inc
Classification: Likely pathogenic for Sitosterolemia 1; Gallbladder disease 4. Review status: criteria provided, single submitter. Criteria: ACMG Guidelines, 2015. Collection method: clinical testing. Allele origin: germline.
Comment: For recessive disorders, detected in trans with a pathogenic variant.;Co-segregation with disease in multiple affected family members.

PreventionGenetics, part of Exact Sciences
Classification: Likely pathogenic for ABCG8-related condition. Last evaluated: 2024-03-08. Review status: no assertion criteria provided. Collection method: clinical testing. Allele origin: germline. Not counted in ClinVar's aggregate classification.
Comment: The ABCG8 c.788G>A variant is predicted to result in the amino acid substitution p.Arg263Gln. This variant has been reported in the compound heterozygous state with a truncating ABCG8 variant in an individual with sitosterolemia (Wang et al. 2014. PubMed ID: 24166850). This variant has also been reported in individuals with sitosterolemia (phytosterolemia) or familial hypercholesterolemia (Berge et al. 2000. PubMed ID: 11099417; Hansel et al. 2014. PubMed ID: 24657386; Reeskamp et al. 2020. PubMed ID: 32088153). This variant is reported in 0.13% of alleles in individuals of East Asian descent in gnomAD. Taken together, this variant is interpreted as likely pathogenic.

OMIM
Classification: Pathogenic for SITOSTEROLEMIA 1. Last evaluated: 2000-12-01. Review status: no assertion criteria provided. Collection method: literature only. Allele origin: germline. Not counted in ClinVar's aggregate classification.

Literature cited by the submitters: PubMed 11452359 (cited by Labcorp Genetics (formerly Invitae), Labcorp); PubMed 24166850 (cited by Labcorp Genetics (formerly Invitae), Labcorp and Ambry Genetics); PubMed 24657386 (cited by Labcorp Genetics (formerly Invitae), Labcorp and Ambry Genetics); PubMed 29886606 (cited by Labcorp Genetics (formerly Invitae), Labcorp); PubMed 32702746 (cited by Ambry Genetics); PubMed 34093240 (cited by Ambry Genetics); PubMed 34969652 (cited by Ambry Genetics); PubMed 11099417 (cited by OMIM).

NM_022437.3(ABCG8):c.788G>A (p.Arg263Gln)

Gene: ABCG8 (ATP binding cassette subfamily G member 8; plus strand). Cytogenetic location: 2p21.
Variant type: single nucleotide variant.
Coding change: c.788G>A on transcript NM_022437.3 (MANE Select); coding-DNA position 788, G replaced by A.
Protein change: p.Arg263Gln; replaces arginine 263 with glutamine.
Molecular consequence: missense variant.
Genome position (GRCh38, 1-based): chr2:43,852,692, G>A. VCF-style: chr2-43852692-G-A. GRCh37 (hg19) VCF-style: chr2-44079831-G-A.
Other names: c.788G>A, p.Arg263Gln (NM_001357321.2); c.788G>A (NM_022437.2); short protein forms R263Q.
Identifiers: ClinVar variation 4970 (VCV000004970.24), dbSNP rs137852990, ClinGen allele CA253364.